The following is an entry in ClinVar:

ClinVar aggregate classification (germline): Likely pathogenic (1 of 4 stars; one submission).

Submission:

GeneDx
Classification: Likely pathogenic. Last evaluated: 2024-04-29. Review status: criteria provided, single submitter. Criteria: GeneDx Variant Classification Process June 2021. Collection method: clinical testing. Allele origin: germline. Affected: yes.
Comment: Not observed at significant frequency in large population cohorts (gnomAD); In silico analysis supports that this missense variant has a deleterious effect on protein structure/function; This variant is associated with the following publications: (PMID: 33057194, 34558790, 35982159, 35478332)

NM_145331.3(MAP3K7):c.467A>T (p.Asp156Val)

Gene: MAP3K7 (mitogen-activated protein kinase kinase kinase 7; minus strand). Cytogenetic location: 6q15.
Variant type: single nucleotide variant.
Coding change: c.467A>T on transcript NM_145331.3 (MANE Select); coding-DNA position 467, A replaced by T.
Protein change: p.Asp156Val; replaces aspartic acid 156 with valine.
Molecular consequence: missense variant.
Genome position (GRCh38, 1-based): chr6:90,560,091, T>A on the plus strand (A>T on the coding strand, the complement: MAP3K7 is on the minus strand). VCF-style: chr6-90560091-T-A. GRCh37 (hg19) VCF-style: chr6-91269810-T-A.
Other names: c.467A>T, p.Asp156Val (NM_003188.4, NM_145332.3, NM_145333.3); short protein forms D156V.
Identifiers: ClinVar variation 3372549 (VCV003372549.1).